The following is an entry in ClinVar:

ClinVar aggregate classification (germline): Uncertain significance (1 of 4 stars; one submission).

Conditions:
Aortic aneurysm, familial thoracic 7 (AAT7). Also called: AORTIC DISSECTION, FAMILIAL, WITH OR WITHOUT AORTIC ANEURYSM. Identifiers: MedGen C3151077, MONDO:0013418, OMIM 613780.

Submission:

Labcorp Genetics (formerly Invitae), Labcorp
Classification: Uncertain significance for Aortic aneurysm, familial thoracic 7. Last evaluated: 2023-12-09. Review status: criteria provided, single submitter. Criteria: Invitae Variant Classification Sherloc (09022015). Collection method: clinical testing. Allele origin: germline.
Comment: This sequence change replaces proline, which is neutral and non-polar, with leucine, which is neutral and non-polar, at codon 1244 of the MYLK protein (p.Pro1244Leu). This variant is not present in population databases (gnomAD no frequency). This variant has not been reported in the literature in individuals affected with MYLK-related conditions. Advanced modeling of protein sequence and biophysical properties (such as structural, functional, and spatial information, amino acid conservation, physicochemical variation, residue mobility, and thermodynamic stability) performed at Invitae indicates that this missense variant is not expected to disrupt MYLK protein function with a negative predictive value of 80%. In summary, the available evidence is currently insufficient to determine the role of this variant in disease. Therefore, it has been classified as a Variant of Uncertain Significance.

NM_053025.4(MYLK):c.3731C>T (p.Pro1244Leu)

Gene: MYLK (myosin light chain kinase; minus strand). Cytogenetic location: 3q21.1.
Variant type: single nucleotide variant.
Coding change: c.3731C>T on transcript NM_053025.4 (MANE Select); coding-DNA position 3731, C replaced by T.
Protein change: p.Pro1244Leu; replaces proline 1244 with leucine.
Molecular consequence: missense variant.
Genome position (GRCh38, 1-based): chr3:123,666,319, G>A on the plus strand (C>T on the coding strand, the complement: MYLK is on the minus strand). VCF-style: chr3-123666319-G-A. GRCh37 (hg19) VCF-style: chr3-123385166-G-A.
Other names: c.3203C>T, p.Pro1068Leu (NM_001321309.2); c.3524C>T, p.Pro1175Leu (NM_053026.4, NM_053028.4); c.3731C>T, p.Pro1244Leu (NM_053027.4); short protein forms P1244L, P1068L, P1175L.
Identifiers: ClinVar variation 2701924 (VCV002701924.3), dbSNP rs1196952053, ClinGen allele CA354230612.